The following is an entry in ClinVar:

NM_024301.5(FKRP):c.1085A>C (p.Asp362Ala)

Gene: FKRP (fukutin related protein; plus strand). Cytogenetic location: 19q13.32.
Variant type: single nucleotide variant.
Coding change: c.1085A>C on transcript NM_024301.5 (MANE Select); coding-DNA position 1085, A replaced by C.
Protein change: p.Asp362Ala; replaces aspartic acid 362 with alanine.
Molecular consequence: missense variant.
Genome position (GRCh38, 1-based): chr19:46,756,535, A>C. VCF-style: chr19-46756535-A-C. GRCh37 (hg19) VCF-style: chr19-47259792-A-C.
Other names: c.1085A>C, p.Asp362Ala (NM_001039885.3); short protein forms D362A.
Identifiers: ClinVar variation 4279607 (VCV004279607.1).

ClinVar aggregate classification (germline): Uncertain significance (1 of 4 stars; one submission).

Conditions:
Muscular dystrophy-dystroglycanopathy (congenital with brain and eye anomalies), type A5. Also called: MUSCULAR DYSTROPHY-DYSTROGLYCANOPATHY (CONGENITAL WITH BRAIN AND EYE ANOMALIES), TYPE A, 5; WALKER-WARBURG SYNDROME OR MUSCLE-EYE-BRAIN DISEASE, FKRP-RELATED. Identifiers: Orphanet 588, Orphanet 899, MedGen C3150413, MONDO:0013157, OMIM 613153.
Muscular dystrophy-dystroglycanopathy type B5 (MDDGB5). Also called: MUSCULAR DYSTROPHY-DYSTROGLYCANOPATHY (CONGENITAL WITH OR WITHOUT IMPAIRED INTELLECTUAL DEVELOPMENT), TYPE B, 5; MUSCULAR DYSTROPHY, CONGENITAL, 1C; MUSCULAR DYSTROPHY, CONGENITAL, FKRP-RELATED. Identifiers: MedGen C1847759, MONDO:0011688, OMIM 606612.
Autosomal recessive limb-girdle muscular dystrophy type 2I. Also called: MUSCULAR DYSTROPHY-DYSTROGLYCANOPATHY (LIMB-GIRDLE), TYPE C, 5; MUSCULAR DYSTROPHY-DYSTROGLYCANOPATHY, LIMB-GIRDLE, FRKP-RELATED; MUSCULAR DYSTROPHY, LIMB-GIRDLE, TYPE 2I. Identifiers: Orphanet 34515, MedGen C1846672, MONDO:0011787, OMIM 607155.

Submission:

Diagnostics Services (NGS), CSIR - Centre For Cellular And Molecular Biology
Classification: Uncertain significance for Autosomal recessive limb-girdle muscular dystrophy type 2I; Muscular dystrophy-dystroglycanopathy (congenital with brain and eye anomalies), type A5; Muscular dystrophy-dystroglycanopathy type B5. Last evaluated: 2025-09-18. Review status: criteria provided, single submitter. Criteria: ACMG Guidelines, 2015. Collection method: clinical testing. Allele origin: germline. Affected: yes. Observed: 1 variant allele, 1 heterozygote.
Comment: The c.1085A>C variant is not present in publicly available population databases like 1000 Genomes, EVS, gnomAD, Indian Exome Database or our internal database. This variant has neither been published in literature in individuals affected with FKRP-related conditions nor reported to the clinical databases like Human Genome Mutation Database (HGMD), ClinVar or OMIM, in any affected individuals. In-silico pathogenicity prediction programs like SIFT, Polyphen-2, MutationTaster2, CADD, Franklin etc predicted the variant to be likely deleterious, however these predictions were not confirmed by published functional studies. This variant is located in a mutational hotspot region of the gene.